The following is an entry in ClinVar:

ClinVar aggregate classification (germline): Likely pathogenic. Review status: criteria provided, multiple submitters, no conflicts (2 of 4 stars). 2 submissions from 2 submitters: Likely pathogenic (2). Last evaluated 2026-03-19.

Conditions:
Autosomal dominant Alport syndrome (ATS3A). Also called: Alport syndrome dominant type; Renal failure and sensorineural hearing loss; ALPORT SYNDROME 3A, AUTOSOMAL DOMINANT. Identifiers: Orphanet 63, Orphanet 88918, MedGen C5882663, MONDO:0007086, OMIM 104200.

Allele frequency attached by ClinVar (database versions not stated): TOPMed below 0.00001.

Submissions (2):

Centre de Génétique Humaine, Institut de Pathologie Et de Génétique
Classification: Likely pathogenic for Autosomal dominant Alport syndrome. Last evaluated: 2026-03-19. Review status: criteria provided, single submitter. Criteria: ACMG Guidelines, 2015. Collection method: clinical testing. Allele origin: germline. Inheritance: Autosomal dominant inheritance. Affected: yes. Observed: 1 variant allele, 1 heterozygote. Segregation with disease not observed.
Comment: This missense variant involves a highly conserved glycine located in a ‘Gly-X-Y’ motif in collagenous region, which is characteristic of the pathogenic variants identified in the COL4A3 gene (PM1,PP2). This variant is rare: absent in gnomAD v4.1.0 database (PM2); In silico analysis supports that this missense variant has a deleterious effect (PP3). (PP5)

Labcorp Genetics (formerly Invitae), Labcorp
Classification: Likely pathogenic. Last evaluated: 2021-04-10. Review status: criteria provided, single submitter. Criteria: Invitae Variant Classification Sherloc (09022015). Collection method: clinical testing. Allele origin: germline.
Comment: In summary, the currently available evidence indicates that the variant is pathogenic, but additional data are needed to prove that conclusively. Therefore, this variant has been classified as Likely Pathogenic. Advanced modeling of protein sequence and biophysical properties (such as structural, functional, and spatial information, amino acid conservation, physicochemical variation, residue mobility, and thermodynamic stability) performed at Invitae indicates that this missense variant is expected to disrupt COL4A3 protein function. This variant has been observed in individual(s) with clinical features of Alport syndrome (PMID: 24052634, Invitae). This variant is not present in population databases (ExAC no frequency). This sequence change replaces glycine with glutamic acid at codon 265 of the COL4A3 protein (p.Gly265Glu). The glycine residue is highly conserved and there is a moderate physicochemical difference between glycine and glutamic acid.

Literature cited by the submitters: PubMed 24052634 (cited by Centre de Génétique Humaine, Institut de Pathologie Et de Génétique and Labcorp Genetics (formerly Invitae), Labcorp).

NM_000091.5(COL4A3):c.794G>A (p.Gly265Glu)

Genes: COL4A3 (collagen type IV alpha 3 chain; plus strand), MFF-DT (MFF divergent transcript; minus strand). Cytogenetic location: 2q36.3.
Variant type: single nucleotide variant.
Coding change: c.794G>A on transcript NM_000091.5 (MANE Select); coding-DNA position 794, G replaced by A.
Protein change: p.Gly265Glu; replaces glycine 265 with glutamic acid.
Molecular consequence: missense variant.
Genome position (GRCh38, 1-based): chr2:227,254,140, G>A. VCF-style: chr2-227254140-G-A. GRCh37 (hg19) VCF-style: chr2-228118856-G-A.
Other names: p.(Gly265Glu); short protein forms G265E.
Identifiers: ClinVar variation 1487500 (VCV001487500.9), dbSNP rs2069988351, ClinGen allele CA350865912.
Genomic context (GRCh38, chr2:227,254,140, plus strand): 5'-TTTGTAACAATGTTGAACTGTTTCTTTGGCAGGACCTCAAGGGGGAAAAGGGAGACAAGG[G>A]AGCAATGGGCGAGCCTGGACCTCCTGGACCCTCAGTAGGTTATTTAAAGTTATATTGTCC-3'
Protein context (NP_000082.2, residues 255-275): TDLKGEKGDK[Gly265Glu]AMGEPGPPGP